The following is an entry in ClinVar:

ClinVar aggregate classification (germline): Benign. Review status: criteria provided, single submitter (1 of 4 stars). 2 submissions from 2 submitters: Benign (1). 1 of the submissions does not count toward it. Last evaluated 2018-07-11.

Conditions:
NRCAM-related disorder.

Allele frequency attached by ClinVar (database versions not stated): gnomAD exomes 0.00046 and 0.00117; ExAC 0.00142; gnomAD 0.00484 and 0.00530; TOPMed 0.00502; ESP Exome Variant Server 0.00507; 1000 Genomes Project 0.00679; 1000 Genomes Project 30x 0.00734.
gnomAD v4.1: 1,418 of 1,613,972 alleles (0.088%); highest among the groups gnomAD compares: African/African-American, 1.7%; 18 homozygotes.

Submissions (2):

Labcorp Genetics (formerly Invitae), Labcorp
Classification: Benign. Last evaluated: 2018-07-11. Review status: criteria provided, single submitter. Criteria: Invitae Variant Classification Sherloc (09022015). Collection method: clinical testing. Allele origin: germline.

PreventionGenetics, part of Exact Sciences
Classification: Benign for NRCAM-related condition. Last evaluated: 2019-06-12. Review status: no assertion criteria provided. Collection method: clinical testing. Allele origin: germline. Not counted in ClinVar's aggregate classification.
Comment: This variant is classified as benign based on ACMG/AMP sequence variant interpretation guidelines (Richards et al. 2015 PMID: 25741868, with internal and published modifications).

NM_001037132.4(NRCAM):c.1147A>C (p.Arg383=)

Gene: NRCAM (neuronal cell adhesion molecule; minus strand). Cytogenetic location: 7q31.1.
Variant type: single nucleotide variant.
Coding change: c.1147A>C on transcript NM_001037132.4 (MANE Select); coding-DNA position 1147, A replaced by C.
Protein change: p.Arg383=; no amino-acid change (arginine 383 retained).
Molecular consequence: synonymous variant. On other transcripts: non-coding transcript variant (5).
Genome position (GRCh38, 1-based): chr7:108,207,588, T>G on the plus strand (A>C on the coding strand, the complement: NRCAM is on the minus strand). VCF-style: chr7-108207588-T-G. GRCh37 (hg19) VCF-style: chr7-107848032-T-G.
Other names: c.1147A>C, p.Arg383= (NM_001193582.2, NM_001371123.1, NM_001371128.1 and 13 more transcripts); c.1090A>C, p.Arg364= (NM_001193583.2, NM_001193584.2, NM_001371119.1 and 22 more transcripts); c.802A>C, p.Arg268= (NM_001371125.1, NM_001371142.1, NM_001371143.1 and 2 more transcripts); c.1144A>C, p.Arg382= (NM_001371127.1); c.1129A>C, p.Arg377= (NM_001371130.1, NM_001371133.1, NM_001371136.1 and 9 more transcripts); c.1126A>C, p.Arg376= (NM_001371134.1); c.220A>C, p.Arg74= (NM_001371137.1); c.859A>C, p.Arg287= (NM_001371148.1, NM_001371170.1, NM_001371179.1 and 1 more transcripts); and 1 more.
Identifiers: ClinVar variation 788543 (VCV000788543.5), dbSNP rs142366452, ClinGen allele CA4438984.